The following is an entry in ClinVar:

NM_173354.5(SIK1):c.380G>A (p.Arg127Gln)

Gene: SIK1 (salt inducible kinase 1; minus strand). Cytogenetic location: 21q22.3.
Variant type: single nucleotide variant.
Coding change: c.380G>A on transcript NM_173354.5 (MANE Select); coding-DNA position 380, G replaced by A.
Protein change: p.Arg127Gln; replaces arginine 127 with glutamine.
Molecular consequence: missense variant.
Genome position (GRCh38, 1-based): chr21:43,421,757, C>T on the plus strand (G>A on the coding strand, the complement: SIK1 is on the minus strand). VCF-style: chr21-43421757-C-T. GRCh37 (hg19) VCF-style: chr21-44841637-C-T.
Other names: short protein forms R127Q.
Identifiers: ClinVar variation 655297 (VCV000655297.9), dbSNP rs111703795, ClinGen allele CA321328181.

ClinVar aggregate classification (germline): Uncertain significance (1 of 4 stars; one submission).

Conditions:
Developmental and epileptic encephalopathy, 30 (DEE30). Also called: Epileptic encephalopathy, early infantile, 30. Identifiers: MedGen C4225360, MONDO:0014595, OMIM 616341.

Allele frequency attached by ClinVar (database versions not stated): gnomAD exomes 0.00002; ExAC 0.00003.

Submission:

Labcorp Genetics (formerly Invitae), Labcorp
Classification: Uncertain significance for Developmental and epileptic encephalopathy, 30. Last evaluated: 2026-01-14. Review status: criteria provided, single submitter. Criteria: Invitae Variant Classification Sherloc (09022015). Collection method: clinical testing. Allele origin: germline.
Comment: This sequence change replaces arginine, which is basic and polar, with glutamine, which is neutral and polar, at codon 127 of the SIK1 protein (p.Arg127Gln). This variant is present in population databases (rs111703795, gnomAD 0.01%). This variant has not been reported in the literature in individuals affected with SIK1-related conditions. ClinVar contains an entry for this variant (Variation ID: 655297). Invitae Evidence Modeling of protein sequence and biophysical properties (such as structural, functional, and spatial information, amino acid conservation, physicochemical variation, residue mobility, and thermodynamic stability) indicates that this missense variant is expected to disrupt SIK1 protein function with a positive predictive value of 95%. In summary, the available evidence is currently insufficient to determine the role of this variant in disease. Therefore, it has been classified as a Variant of Uncertain Significance.